The following is an entry in ClinVar:

NM_020832.3(ZNF687):c.1663C>T (p.Arg555Trp)

Gene: ZNF687 (zinc finger protein 687; plus strand). Cytogenetic location: 1q21.3.
Variant type: single nucleotide variant.
Coding change: c.1663C>T on transcript NM_020832.3 (MANE Select); coding-DNA position 1663, C replaced by T.
Protein change: p.Arg555Trp; replaces arginine 555 with tryptophan.
Molecular consequence: missense variant.
Genome position (GRCh38, 1-based): chr1:151,287,954, C>T. VCF-style: chr1-151287954-C-T. GRCh37 (hg19) VCF-style: chr1-151260430-C-T.
Other names: c.1663C>T, p.Arg555Trp (NM_001304763.2, NM_001304764.2); short protein forms R555W.
Identifiers: ClinVar variation 2814010 (VCV002814010.3), dbSNP rs375924931, ClinGen allele CA29518889.

ClinVar aggregate classification (germline): Uncertain significance (1 of 4 stars; one submission).

Allele frequency attached by ClinVar (database versions not stated): TOPMed below 0.00001; gnomAD 0.00001; ESP Exome Variant Server 0.00008.

Submission:

Labcorp Genetics (formerly Invitae), Labcorp
Classification: Uncertain significance. Last evaluated: 2023-11-13. Review status: criteria provided, single submitter. Criteria: Invitae Variant Classification Sherloc (09022015). Collection method: clinical testing. Allele origin: germline.
Comment: This sequence change replaces arginine, which is basic and polar, with tryptophan, which is neutral and slightly polar, at codon 555 of the ZNF687 protein (p.Arg555Trp). This variant is not present in population databases (gnomAD no frequency). This variant has not been reported in the literature in individuals affected with ZNF687-related conditions. An algorithm developed to predict the effect of missense changes on protein structure and function (PolyPhen-2) suggests that this variant is likely to be disruptive. In summary, the available evidence is currently insufficient to determine the role of this variant in disease. Therefore, it has been classified as a Variant of Uncertain Significance.